The following is an entry in ClinVar:

ClinVar aggregate classification (germline): Benign/Likely benign. Review status: criteria provided, multiple submitters, no conflicts (2 of 4 stars). 4 submissions from 4 submitters: Benign (1); Likely benign (3). Last evaluated 2025-10-03.

Conditions:
Hereditary cancer-predisposing syndrome. Also called: Neoplastic Syndromes, Hereditary; Tumor predisposition; Hereditary Cancer Syndrome; Hereditary neoplastic syndrome. Identifiers: Orphanet 140162, MedGen C0027672, MeSH D009386, MONDO:0015356.
Tuberous sclerosis syndrome (TSC). Also called: Tuberous Sclerosis Complex; Tuberous sclerosis. Identifiers: Orphanet 805, MedGen C0041341, MONDO:0001734.
Tuberous sclerosis 1 (TSC1). Identifiers: Orphanet 805, MedGen C1854465, MONDO:0008612, OMIM 191100.

Allele frequency attached by ClinVar (database versions not stated): TOPMed below 0.00001; gnomAD exomes 0.00001.
gnomAD v4.1: 12 of 1,614,196 alleles (0.00074%); highest among the groups gnomAD compares: Non-Finnish European, 0.001%; no homozygotes.

Submissions (4):

Labcorp Genetics (formerly Invitae), Labcorp
Classification: Likely benign for Tuberous sclerosis 1. Last evaluated: 2025-10-03. Review status: criteria provided, single submitter. Criteria: Invitae Variant Classification Sherloc (09022015). Collection method: clinical testing. Allele origin: germline.

Myriad Genetics, Inc.
Classification: Benign for Tuberous sclerosis 1. Last evaluated: 2025-04-07. Review status: criteria provided, single submitter. Criteria: Myriad Autosomal Dominant, Autosomal Recessive and X-Linked Classification Criteria (2023). Collection method: clinical testing. Allele origin: unknown.
Comment: This variant is considered benign. This variant is a silent/synonymous amino acid change and it is not expected to impact splicing.

Color Diagnostics, LLC DBA Color Health
Classification: Likely benign for Tuberous sclerosis syndrome. Last evaluated: 2024-01-25. Review status: criteria provided, single submitter. Criteria: ACMG Guidelines, 2015. Collection method: clinical testing. Allele origin: germline.

Ambry Genetics
Classification: Likely benign for Hereditary cancer-predisposing syndrome. Last evaluated: 2021-02-12. Review status: criteria provided, single submitter. Criteria: Ambry Variant Classification Scheme 2023. Collection method: clinical testing. Allele origin: germline.

NM_000368.5(TSC1):c.60T>G (p.Gly20=)

Gene: TSC1 (TSC complex subunit 1; minus strand). Cytogenetic location: 9q34.13.
Variant type: single nucleotide variant.
Coding change: c.60T>G on transcript NM_000368.5 (MANE Select); coding-DNA position 60, T replaced by G.
Protein change: p.Gly20=; no amino-acid change (glycine 20 retained).
Molecular consequence: synonymous variant. On other transcripts: 5 prime UTR variant (1).
Genome position (GRCh38, 1-based): chr9:132,928,813, A>C on the plus strand (T>G on the coding strand, the complement: TSC1 is on the minus strand). VCF-style: chr9-132928813-A-C. GRCh37 (hg19) VCF-style: chr9-135804200-A-C.
Other names: c.60T>G, p.Gly20= (NM_001162426.2, NM_001162427.2); c.-200T>G (NM_001362177.2).
Identifiers: ClinVar variation 1125557 (VCV001125557.13), dbSNP rs1293816362, ClinGen allele CA467594342.
Genomic context (GRCh38, chr9:132,928,813, plus strand): 5'-ATTATTTTGCTAACCAGAATTGAGGTTCTCTTTAAAGACAGCTGTCACGTCGTCCCGCAC[A>C]CCCAGCATGGGGGAGTCCAGCATGGCAAGAAGCTCCCCGACATTTGCTTGTTGGGCCATT-3'
Protein context (NP_000359.1, residues 10-30): LLAMLDSPML[Gly20=]VRDDVTAVFK